The following is an entry in ClinVar:

NM_001369.3(DNAH5):c.245_254delinsCGG (p.Phe82fs)

Gene: DNAH5 (dynein axonemal heavy chain 5; minus strand). Cytogenetic location: 5p15.2.
Variant type: Indel.
Coding change: c.245_254delinsCGG on transcript NM_001369.3 (MANE Select); coding-DNA positions 245 to 254, TTTACTATCA replaced by CGG.
Protein change: p.Phe82fs; shifts the reading frame from phenylalanine 82.
Molecular consequence: frameshift variant.
Genome position (GRCh38, 1-based): chr5:13,928,117-13,928,126, TGATAGTAAA replaced by CCG on the plus strand (TTTACTATCA replaced by CGG on the coding strand, the reverse complement: DNAH5 is on the minus strand). VCF-style: chr5-13928117-TGATAGTAAA-CCG. GRCh37 (hg19) VCF-style: chr5-13928226-TGATAGTAAA-CCG.
Other names: short protein forms F82fs.
Identifiers: ClinVar variation 5014028 (VCV005014028.1).

ClinVar aggregate classification (germline): Pathogenic (1 of 4 stars; one submission).

Conditions:
Primary ciliary dyskinesia 3. Identifiers: Orphanet 244, MedGen C1837618, MONDO:0012085, OMIM 608644.

Submission:

Myriad Genetics, Inc.
Classification: Pathogenic for Primary ciliary dyskinesia 3. Last evaluated: 2025-01-28. Review status: criteria provided, single submitter. Criteria: Myriad Autosomal Dominant, Autosomal Recessive and X-Linked Classification Criteria (2023). Collection method: clinical testing. Allele origin: unknown.
Comment: NM_001369.2(DNAH5):c.245_254del10ins3(F82Sfs*15) is expected to be pathogenic in the context of primary ciliary dyskinesia, DNAH5-related. This variant is predicted to lead to an abnormal or absent protein product due to the creation of a premature termination codon in DNAH5, a gene where loss-of-function variants are known to be pathogenic. Please note: this variant was assessed in the context of healthy population screening.